The following is an entry in ClinVar:

NM_001025389.2(AMPD3):c.1081G>A (p.Gly361Ser)

Gene: AMPD3 (adenosine monophosphate deaminase 3; plus strand). Cytogenetic location: 11p15.4.
Variant type: single nucleotide variant.
Coding change: c.1081G>A on transcript NM_001025389.2 (MANE Select); coding-DNA position 1081, G replaced by A.
Protein change: p.Gly361Ser; replaces glycine 361 with serine.
Molecular consequence: missense variant.
Genome position (GRCh38, 1-based): chr11:10,493,490, G>A. VCF-style: chr11-10493490-G-A. GRCh37 (hg19) VCF-style: chr11-10515037-G-A.
Other names: c.1108G>A, p.Gly370Ser (NM_000480.3); c.1102G>A, p.Gly368Ser (NM_001025390.2); c.1081G>A, p.Gly361Ser (NM_001172430.1); c.604G>A, p.Gly202Ser (NM_001172431.2); short protein forms G368S, G361S, G202S, G370S.
Identifiers: ClinVar variation 776586 (VCV000776586.9), dbSNP rs75286033, ClinGen allele CA5882863.

ClinVar aggregate classification (germline): Benign/Likely benign. Review status: criteria provided, multiple submitters, no conflicts (2 of 4 stars). 4 submissions from 4 submitters: Benign (1); Likely benign (3). Last evaluated 2021-08-06.

Conditions:
Erythrocyte AMP deaminase deficiency. Identifiers: Orphanet 45, MedGen C2752073, OMIM 612874, MONDO:0020734.

Allele frequency attached by ClinVar (database versions not stated): gnomAD exomes 0.00089 and 0.00260; ExAC 0.00328; 1000 Genomes Project 0.00938; 1000 Genomes Project 30x 0.00953; gnomAD 0.00965 and 0.01024; TOPMed 0.01113; ESP Exome Variant Server 0.01139.
gnomAD v4.1: 2,883 of 1,614,192 alleles (0.18%); highest among the groups gnomAD compares: African/African-American, 3.2%; 48 homozygotes.

Submissions (4):

Fulgent Genetics
Classification: Likely benign for Erythrocyte AMP deaminase deficiency. Last evaluated: 2021-08-06. Review status: criteria provided, single submitter. Criteria: ACMG Guidelines, 2015. Collection method: clinical testing. Allele origin: unknown.

Labcorp Genetics (formerly Invitae), Labcorp
Classification: Benign. Last evaluated: 2018-06-25. Review status: criteria provided, single submitter. Criteria: Invitae Variant Classification Sherloc (09022015). Collection method: clinical testing. Allele origin: germline.

Illumina Laboratory Services, Illumina
Classification: Likely benign for Erythrocyte AMP deaminase deficiency. Last evaluated: 2018-01-13. Review status: criteria provided, single submitter. Criteria: ICSL Variant Classification Criteria 13 December 2019. Collection method: clinical testing. Allele origin: germline.
Comment: This variant was observed in the ICSL laboratory as part of a predisposition screen in an ostensibly healthy population. It had not been previously curated by ICSL or reported in the Human Gene Mutation Database (HGMD: prior to June 1st, 2018), and was therefore a candidate for classification through an automated scoring system. Utilizing variant allele frequency, disease prevalence and penetrance estimates, and inheritance mode, an automated score was calculated to assess if this variant is too frequent to cause the disease. Based on the score and internal cut-off values, a variant classified as likely benign is not then subjected to further curation. The score for this variant resulted in a classification of likely benign for this disease.

Breakthrough Genomics
Classification: Likely benign. Review status: criteria provided, single submitter. Criteria: ACMG Guidelines, 2015. Collection method: not provided. Allele origin: germline. Inheritance: Autosomal recessive inheritance. Affected: yes.